The following is an entry in ClinVar:

NM_145059.3(FCSK):c.1138C>T (p.Pro380Ser)

Gene: FCSK (fucose kinase; plus strand). Cytogenetic location: 16q22.1.
Variant type: single nucleotide variant.
Coding change: c.1138C>T on transcript NM_145059.3 (MANE Select); coding-DNA position 1138, C replaced by T.
Protein change: p.Pro380Ser; replaces proline 380 with serine.
Molecular consequence: missense variant.
Genome position (GRCh38, 1-based): chr16:70,471,040, C>T. VCF-style: chr16-70471040-C-T. GRCh37 (hg19) VCF-style: chr16-70504943-C-T.
Other names: short protein forms P380S.
Identifiers: ClinVar variation 2020460 (VCV002020460.4), dbSNP rs1386847399, ClinGen allele CA396567975.

ClinVar aggregate classification (germline): Uncertain significance (1 of 4 stars; one submission).

Allele frequency attached by ClinVar (database versions not stated): gnomAD exomes below 0.00001.
gnomAD v4.1: 1 of 1,603,192 alleles (0.000062%); highest among the groups gnomAD compares: Non-Finnish European, 0.000085%; no homozygotes.

Submission:

Labcorp Genetics (formerly Invitae), Labcorp
Classification: Uncertain significance. Last evaluated: 2025-07-14. Review status: criteria provided, single submitter. Criteria: Invitae Variant Classification Sherloc (09022015). Collection method: clinical testing. Allele origin: germline.
Comment: This sequence change replaces proline, which is neutral and non-polar, with serine, which is neutral and polar, at codon 380 of the FUK protein (p.Pro380Ser). This variant is not present in population databases (gnomAD no frequency). This variant has not been reported in the literature in individuals affected with FUK-related conditions. ClinVar contains an entry for this variant (Variation ID: 2020460). An algorithm developed to predict the effect of missense changes on protein structure and function (PolyPhen-2) suggests that this variant is likely to be tolerated. In summary, the available evidence is currently insufficient to determine the role of this variant in disease. Therefore, it has been classified as a Variant of Uncertain Significance.